The following is an entry in ClinVar:

NM_000188.3(HK1):c.1298G>A (p.Arg433His)

Gene: HK1 (hexokinase 1; plus strand). Cytogenetic location: 10q22.1.
Variant type: single nucleotide variant.
Coding change: c.1298G>A on transcript NM_000188.3 (MANE Select); coding-DNA position 1298, G replaced by A.
Protein change: p.Arg433His; replaces arginine 433 with histidine.
Molecular consequence: missense variant.
Genome position (GRCh38, 1-based): chr10:69,382,519, G>A. VCF-style: chr10-69382519-G-A. GRCh37 (hg19) VCF-style: chr10-71142275-G-A.
Other names: c.1310G>A, p.Arg437His (NM_001322364.2, NM_001358263.1, NM_033497.3 and 1 more transcripts); c.1403G>A, p.Arg468His (NM_001322365.2); c.1214G>A, p.Arg405His (NM_001322366.1); c.1202G>A, p.Arg401His (NM_001322367.1); c.1295G>A, p.Arg432His (NM_033496.3); c.1262G>A, p.Arg421His (NM_033500.2); short protein forms R401H, R405H, R421H, R432H, R433H, R437H, R468H.
Identifiers: ClinVar variation 1687570 (VCV001687570.6), dbSNP rs780707329, ClinGen allele CA5532575.

ClinVar aggregate classification (germline): Uncertain significance. Review status: criteria provided, multiple submitters, no conflicts (2 of 4 stars). 2 submissions from 2 submitters: Uncertain significance (2). Last evaluated 2022-10-05.

Conditions:
Retinitis pigmentosa 79 (RP79). Identifiers: MedGen C4479526, MONDO:0044320, OMIM 617460.

Allele frequency attached by ClinVar (database versions not stated): gnomAD exomes below 0.00001; ExAC 0.00001; gnomAD 0.00001; TOPMed 0.00001.
gnomAD v4.1: 13 of 1,614,074 alleles (0.00081%); highest among the groups gnomAD compares: East Asian, 0.0022%; no homozygotes.

Submissions (2):

Labcorp Genetics (formerly Invitae), Labcorp
Classification: Uncertain significance. Last evaluated: 2022-10-05. Review status: criteria provided, single submitter. Criteria: Invitae Variant Classification Sherloc (09022015). Collection method: clinical testing. Allele origin: germline.
Comment: In summary, the available evidence is currently insufficient to determine the role of this variant in disease. Therefore, it has been classified as a Variant of Uncertain Significance. Advanced modeling of protein sequence and biophysical properties (such as structural, functional, and spatial information, amino acid conservation, physicochemical variation, residue mobility, and thermodynamic stability) performed at Invitae indicates that this missense variant is not expected to disrupt HK1 protein function. This variant has not been reported in the literature in individuals affected with HK1-related conditions. ClinVar contains an entry for this variant (Variation ID: 1687570). This variant is present in population databases (rs780707329, gnomAD 0.01%). This sequence change replaces arginine, which is basic and polar, with histidine, which is basic and polar, at codon 433 of the HK1 protein (p.Arg433His).

3billion
Classification: Uncertain significance for Retinitis pigmentosa 79. Last evaluated: 2022-05-22. Review status: criteria provided, single submitter. Criteria: ACMG Guidelines, 2015. Collection method: clinical testing. Allele origin: germline. Affected: yes. Observed: 1 heterozygote.
Comment: The variant is observed at an extremely low frequency in the gnomAD v2.1.1 dataset (total allele frequency: <0.001%). Missense changes are a common disease-causing mechanism. In silico tool predictions suggest damaging effect of the variant on gene or gene product (REVEL: 0.18; 3Cnet: 0.94). Therefore, this variant is classified as uncertain significanceaccording to the recommendation of ACMG/AMP guideline.